The following is an entry in ClinVar:

NM_001365536.1(SCN9A):c.722C>A (p.Ser241Ter)

Gene: SCN9A (sodium voltage-gated channel alpha subunit 9; minus strand). Cytogenetic location: 2q24.3.
Variant type: single nucleotide variant.
Coding change: c.722C>A on transcript NM_001365536.1 (MANE Select); coding-DNA position 722, C replaced by A.
Protein change: p.Ser241Ter; replaces serine 241 with a stop codon.
Molecular consequence: nonsense.
Genome position (GRCh38, 1-based): chr2:166,303,269, G>T on the plus strand (C>A on the coding strand, the complement: SCN9A is on the minus strand). VCF-style: chr2-166303269-G-T. GRCh37 (hg19) VCF-style: chr2-167159779-G-T.
Other names: c.722C>A, p.Ser241Ter (NM_002977.4); short protein forms S241*.
Identifiers: ClinVar variation 3750513 (VCV003750513.2).

ClinVar aggregate classification (germline): Pathogenic (1 of 4 stars; one submission).

Conditions:
Neuropathy, hereditary sensory and autonomic, type 2A (HSAN2A). Also called: MORVAN DISEASE; NEUROPATHY, CONGENITAL SENSORY; NEUROPATHY, HEREDITARY SENSORY RADICULAR, AUTOSOMAL RECESSIVE; NEUROPATHY, HEREDITARY SENSORY, TYPE IIA; NEUROPATHY, PROGRESSIVE SENSORY, OF CHILDREN; ACROOSTEOLYSIS, GIACCAI TYPE. Identifiers: Orphanet 970, MedGen C2752089, MONDO:0024309, OMIM 201300.
Generalized epilepsy with febrile seizures plus, type 7 (GEFSP7). Also called: GEFS+, TYPE 7. Identifiers: Orphanet 36387, MedGen C2751778, MONDO:0013470, OMIM 613863.

gnomAD v4.1: 1 of 1,613,474 alleles (0.000062%); highest among the groups gnomAD compares: South Asian, 0.0011%; no homozygotes.

Submission:

Labcorp Genetics (formerly Invitae), Labcorp
Classification: Pathogenic for Neuropathy, hereditary sensory and autonomic, type 2A; Generalized epilepsy with febrile seizures plus, type 7. Last evaluated: 2024-12-12. Review status: criteria provided, single submitter. Criteria: Invitae Variant Classification Sherloc (09022015). Collection method: clinical testing. Allele origin: germline.
Comment: This sequence change creates a premature translational stop signal (p.Ser241*) in the SCN9A gene. It is expected to result in an absent or disrupted protein product. Loss-of-function variants in SCN9A are known to be pathogenic (PMID: 17470132, 19304393). This variant is not present in population databases (gnomAD no frequency). This variant has not been reported in the literature in individuals affected with SCN9A-related conditions. For these reasons, this variant has been classified as Pathogenic.

Literature cited by the submitters: PubMed 17470132; PubMed 19304393.